The following is an entry in ClinVar:

NM_007194.4(CHEK2):c.1379del (p.Leu460fs)

Gene: CHEK2 (checkpoint kinase 2; minus strand). Cytogenetic location: 22q12.1.
Variant type: Deletion.
Coding change: c.1379del on transcript NM_007194.4 (MANE Select); coding-DNA position 1379, one base deleted (T; older notation c.1379delT).
Protein change: p.Leu460fs; shifts the reading frame from leucine 460.
Molecular consequence: frameshift variant.
Genome position (GRCh38, 1-based): chr22:28,694,114, A deleted on the plus strand (T on the coding strand, the reverse complement: CHEK2 is on the minus strand). VCF-style (leftmost placement, unchanged base first): chr22-28694113-CA-C. GRCh37 (hg19) VCF-style: chr22-29090101-CA-C.
Other names: c.1508delT, p.Leu503Argfs (NM_001005735.3); c.716delT, p.Leu239Argfs (NM_001257387.3); c.1178delT, p.Leu393Argfs (NM_001349956.3); c.1292delT, p.Leu431Argfs (NM_145862.3); short protein forms L239fs, L431fs, L460fs, L503fs, L393fs.
Identifiers: ClinVar variation 1412456 (VCV001412456.7), dbSNP rs2145786618, ClinGen allele CA2573157973.

ClinVar aggregate classification (germline): Pathogenic (1 of 4 stars; one submission).

Conditions:
Familial cancer of breast. Also called: hereditary breast carcinoma; Hereditary breast cancer; BREAST CANCER, FAMILIAL. Identifiers: Orphanet 227535, MedGen C0346153, MONDO:0016419, OMIM 114480. Disease mechanism: loss of function.

Submission:

Labcorp Genetics (formerly Invitae), Labcorp
Classification: Pathogenic for Familial cancer of breast. Last evaluated: 2021-05-19. Review status: criteria provided, single submitter. Criteria: Invitae Variant Classification Sherloc (09022015). Collection method: clinical testing. Allele origin: germline.
Comment: For these reasons, this variant has been classified as Pathogenic. This variant has not been reported in the literature in individuals with CHEK2-related conditions. This variant is not present in population databases (ExAC no frequency). This sequence change creates a premature translational stop signal (p.Leu460Argfs*9) in the CHEK2 gene. It is expected to result in an absent or disrupted protein product. Loss-of-function variants in CHEK2 are known to be pathogenic (PMID: 21876083, 24713400).

Literature cited by the submitters: PubMed 21876083; PubMed 24713400.